The following is an entry in ClinVar:

ClinVar aggregate classification (germline): Likely benign (1 of 4 stars; one submission).

Submission:

GeneDx
Classification: Likely benign. Last evaluated: 2018-05-23. Review status: criteria provided, single submitter. Criteria: GeneDx Variant Classification (06012015). Collection method: clinical testing. Allele origin: germline. Affected: yes.
Comment: This variant is considered likely benign or benign based on one or more of the following criteria: it is a conservative change, it occurs at a poorly conserved position in the protein, it is predicted to be benign by multiple in silico algorithms, and/or has population frequency not consistent with disease.

NM_033109.5(PNPT1):c.2058A>C (p.Ile686=)

Gene: PNPT1 (polyribonucleotide nucleotidyltransferase 1; minus strand). Cytogenetic location: 2p16.1.
Variant type: single nucleotide variant.
Coding change: c.2058A>C on transcript NM_033109.5 (MANE Select); coding-DNA position 2058, A replaced by C.
Protein change: p.Ile686=; no amino-acid change (isoleucine 686 retained).
Molecular consequence: synonymous variant.
Genome position (GRCh38, 1-based): chr2:55,643,169, T>G on the plus strand (A>C on the coding strand, the complement: PNPT1 is on the minus strand). VCF-style: chr2-55643169-T-G. GRCh37 (hg19) VCF-style: chr2-55870304-T-G.
Identifiers: ClinVar variation 668368 (VCV000668368.1), dbSNP rs1572795877, ClinGen allele CA426171413.